The following is an entry in ClinVar:

ClinVar aggregate classification (germline): Uncertain significance (1 of 4 stars; one submission).

Conditions:
Hypertrophic cardiomyopathy. Also called: HYPERTROPHIC MYOCARDIOPATHY. Identifiers: Orphanet 217569, MedGen C0007194, MeSH D002312, MONDO:0005045, HP:0001639.

Submission:

Labcorp Genetics (formerly Invitae), Labcorp
Classification: Uncertain significance for Hypertrophic cardiomyopathy. Last evaluated: 2025-08-18. Review status: criteria provided, single submitter. Criteria: Invitae Variant Classification Sherloc (09022015). Collection method: clinical testing. Allele origin: germline.
Comment: This variant, c.5267_5275dup, results in the insertion of 3 amino acid(s) of the MYH7 protein (p.Lys1756_Ala1758dup), but otherwise preserves the integrity of the reading frame. This variant is not present in population databases (gnomAD no frequency). This variant has not been reported in the literature in individuals affected with MYH7-related conditions. Experimental studies and prediction algorithms are not available or were not evaluated, and the functional significance of this variant is currently unknown. In summary, the available evidence is currently insufficient to determine the role of this variant in disease. Therefore, it has been classified as a Variant of Uncertain Significance.

NM_000257.4(MYH7):c.5258AGAAGGCCA[3] (p.Lys1756_Ala1758dup)

Genes: MYH7 (myosin heavy chain 7; minus strand), LOC126861897 (BRD4-independent group 4 enhancer GRCh37_chr14:23884455-23885654; plus strand). Cytogenetic location: 14q11.2.
Variant type: Microsatellite.
Coding change: c.5258AGAAGGCCA[3] on transcript NM_000257.4 (MANE Select); three copies in a row of the 9-base unit AGAAGGCCA starting at c.5258; the reference has two copies in a row; one copy, 9 bases duplicated.
Protein change: p.Lys1756_Ala1758dup.
Molecular consequence: inframe insertion.
Genome position (GRCh38, 1-based): chr14:23,415,389-23,415,397, TGGCCTTCT duplicated on the plus strand (AGAAGGCCA on the coding strand, the reverse complement: MYH7 is on the minus strand); duplicating any 9 consecutive bases within chr14:23,415,389-23,415,406 gives the same sequence; the position shown is the placement nearest the transcript's 3' end. VCF-style (leftmost placement, unchanged base first): chr14-23415388-A-ATGGCCTTCT. GRCh37 (hg19) VCF-style: chr14-23884597-A-ATGGCCTTCT.
Identifiers: ClinVar variation 569627 (VCV000569627.9), dbSNP rs1566522846, ClinGen allele CA891844055.